The following is an entry in ClinVar:

ClinVar aggregate classification (germline): Uncertain significance (1 of 4 stars; one submission).

Submission:

GeneDx
Classification: Uncertain significance. Last evaluated: 2024-01-19. Review status: criteria provided, single submitter. Criteria: GeneDx Variant Classification Process June 2021. Collection method: clinical testing. Allele origin: germline. Affected: yes.
Comment: Not observed at significant frequency in large population cohorts (gnomAD); In silico analysis supports that this missense variant has a deleterious effect on protein structure/function; Has not been previously published as pathogenic or benign to our knowledge

NM_000748.3(CHRNB2):c.832G>T (p.Val278Phe)

Gene: CHRNB2 (cholinergic receptor nicotinic beta 2 subunit; plus strand). Cytogenetic location: 1q21.3.
Variant type: single nucleotide variant.
Coding change: c.832G>T on transcript NM_000748.3 (MANE Select); coding-DNA position 832, G replaced by T.
Protein change: p.Val278Phe; replaces valine 278 with phenylalanine.
Molecular consequence: missense variant.
Genome position (GRCh38, 1-based): chr1:154,571,655, G>T. VCF-style: chr1-154571655-G-T. GRCh37 (hg19) VCF-style: chr1-154544131-G-T.
Other names: short protein forms V278F.
Identifiers: ClinVar variation 3338765 (VCV003338765.1).